The following is an entry in ClinVar:

ClinVar aggregate classification (germline): Uncertain significance. Review status: criteria provided, multiple submitters, no conflicts (2 of 4 stars). 2 submissions from 2 submitters: Uncertain significance (2). Last evaluated 2025-04-06.

Conditions:
Common variable immunodeficiency (CVID). Also called: Common variable hypogamma-globulinemia; Common variable agammaglobulinemia. Identifiers: Orphanet 1572, MedGen C0009447, MONDO:0015517.

Allele frequency attached by ClinVar (database versions not stated): gnomAD exomes below 0.00001.

Submissions (2):

Ambry Genetics
Classification: Uncertain significance. Last evaluated: 2025-04-06. Review status: criteria provided, single submitter. Criteria: Ambry Variant Classification Scheme 2023. Collection method: clinical testing. Allele origin: germline.

Labcorp Genetics (formerly Invitae), Labcorp
Classification: Uncertain significance for Common variable immunodeficiency. Last evaluated: 2022-04-20. Review status: criteria provided, single submitter. Criteria: Invitae Variant Classification Sherloc (09022015). Collection method: clinical testing. Allele origin: germline.
Comment: This variant has not been reported in the literature in individuals affected with TNFSF12-related conditions. This variant is present in population databases (no rsID available, gnomAD 0.009%). This sequence change replaces proline, which is neutral and non-polar, with arginine, which is basic and polar, at codon 238 of the TNFSF12 protein (p.Pro238Arg). Algorithms developed to predict the effect of missense changes on protein structure and function are either unavailable or do not agree on the potential impact of this missense change (SIFT: "Deleterious"; PolyPhen-2: "Probably Damaging"; Align-GVGD: "Class C0"). In summary, the available evidence is currently insufficient to determine the role of this variant in disease. Therefore, it has been classified as a Variant of Uncertain Significance.

NM_003809.3(TNFSF12):c.713C>G (p.Pro238Arg)

Genes: TNFSF12 (TNF superfamily member 12; plus strand), TNFSF12-TNFSF13 (TNFSF12-TNFSF13 readthrough; plus strand). Cytogenetic location: 17p13.1.
Variant type: single nucleotide variant.
Coding change: c.713C>G on transcript NM_003809.3 (MANE Select); coding-DNA position 713, C replaced by G.
Protein change: p.Pro238Arg; replaces proline 238 with arginine.
Molecular consequence: missense variant. On other transcripts: non-coding transcript variant (1), intron variant (1).
Genome position (GRCh38, 1-based): chr17:7,557,313, C>G. VCF-style: chr17-7557313-C-G. GRCh37 (hg19) VCF-style: chr17-7460630-C-G.
Other names: c.498+411C>G (NM_172089.4); c.713C>G (NM_003809.2); short protein forms P238R.
Identifiers: ClinVar variation 1991616 (VCV001991616.5), dbSNP rs1250131280, ClinGen allele CA397864852.